The following is an entry in ClinVar:

ClinVar aggregate classification (germline): Conflicting classifications of pathogenicity. Review status: criteria provided, conflicting classifications (1 of 4 stars). 6 submissions from 6 submitters: Uncertain significance (2); Likely benign (2). 2 of the submissions do not count toward it. Last evaluated 2025-03-09.

Conditions:
Hereditary cancer-predisposing syndrome. Also called: Tumor predisposition; Neoplastic Syndromes, Hereditary; Hereditary Cancer Syndrome; Hereditary neoplastic syndrome. Identifiers: Orphanet 140162, MedGen C0027672, MeSH D009386, MONDO:0015356.
Hereditary breast ovarian cancer syndrome. Also called: Hereditary breast and ovarian cancer syndrome (HBOC); Hereditary breast and ovarian cancer syndrome; Hereditary breast and ovarian cancer; Hereditary breast and/or ovarian cancer syndrome; Breast and ovarian cancer; BRCA1- and BRCA2-Associated Hereditary Breast and Ovarian Cancer. Identifiers: Orphanet 145, MedGen C0677776, MeSH D061325, MONDO:0003582. Disease mechanism: loss of function.
Breast-ovarian cancer, familial, susceptibility to, 1 (BROVCA1). Also called: OVARIAN CANCER, SUSCEPTIBILITY TO; BRCA1 Hereditary Breast and Ovarian Cancer. Identifiers: Orphanet 145, MedGen C2676676, MONDO:0011450, OMIM 604370. Disease mechanism: loss of function.

Submissions (7):

Labcorp Genetics (formerly Invitae), Labcorp
Classification: Uncertain significance for Hereditary breast ovarian cancer syndrome. Last evaluated: 2025-03-09. Review status: criteria provided, single submitter. Criteria: Invitae Variant Classification Sherloc (09022015). Collection method: clinical testing. Allele origin: germline.
Comment: This sequence change replaces serine, which is neutral and polar, with arginine, which is basic and polar, at codon 72 of the BRCA1 protein (p.Ser72Arg). This variant is not present in population databases (gnomAD no frequency). This missense change has been observed in individual(s) with breast cancer (PMID: 28993434). ClinVar contains an entry for this variant (Variation ID: 54481). Invitae Evidence Modeling incorporating data from in vitro experimental studies (PMID: 30209399) indicates that this missense variant is not expected to disrupt BRCA1 function with a negative predictive value of 95%. Experimental studies are conflicting or provide insufficient evidence to determine the effect of this variant on BRCA1 function (PMID: 16403807, 25823446, 30209399). In summary, the available evidence is currently insufficient to determine the role of this variant in disease. Therefore, it has been classified as a Variant of Uncertain Significance.

Baylor Genetics
Classification: Uncertain significance for Breast-ovarian cancer, familial, susceptibility to, 1. Last evaluated: 2024-03-25. Review status: criteria provided, single submitter. Criteria: ACMG Guidelines, 2015. Collection method: clinical testing. Allele origin: unknown.

Myriad Genetics, Inc.
Classification: Likely benign for Breast-ovarian cancer, familial, susceptibility to, 1. Last evaluated: 2023-09-29. Review status: criteria provided, single submitter. Criteria: Myriad Autosomal Dominant, Autosomal Recessive and X-Linked Classification Criteria (2023). Collection method: clinical testing. Allele origin: unknown.
Comment: This variant is considered likely benign. This variant is strongly associated with less severe personal and family histories of cancer, typical for individuals without pathogenic variants in this gene [PMID: 25085752].

Ambry Genetics
Classification: Likely benign for Hereditary cancer-predisposing syndrome. Last evaluated: 2022-02-10. Review status: criteria provided, single submitter. Criteria: Ambry Variant Classification Scheme 2023. Collection method: clinical testing. Allele origin: germline.

Sharing Clinical Reports Project (SCRP)
Classification: Uncertain significance for Breast-ovarian cancer, familial 1. Last evaluated: 2011-08-18. Review status: no assertion criteria provided. Collection method: clinical testing. Allele origin: germline. Not counted in ClinVar's aggregate classification.

Breast Cancer Information Core (BIC) (BRCA1)
Classification: Uncertain significance for Breast-ovarian cancer, familial 1. Last evaluated: 2002-05-29. Review status: no assertion criteria provided. Collection method: clinical testing. Allele origin: germline. Affected: yes. Observed: 1 variant allele. Not counted in ClinVar's aggregate classification.

Brotman Baty Institute, University of Washington
No classification provided (evidence only). Condition: Breast-ovarian cancer, familial 1. Review status: no classification provided. Collection method: in vitro. Allele origin: not applicable. Functional consequence: functionally_normal. Not counted in ClinVar's aggregate classification.
ClinVar note: "not provided" was previously submitted as the classification for the variant. However, the classification appeared to be based only on an observation of functional data so it was converted to no classification on 2025-07-30.

Literature cited by the submitters: PubMed 28993434 (cited by Labcorp Genetics (formerly Invitae), Labcorp and Ambry Genetics); PubMed 30209399 (cited by Labcorp Genetics (formerly Invitae), Labcorp); PubMed 16403807 (cited by Labcorp Genetics (formerly Invitae), Labcorp); PubMed 25823446 (cited by Labcorp Genetics (formerly Invitae), Labcorp); PubMed 25085752 (cited by Myriad Genetics, Inc.).

NM_007294.4(BRCA1):c.216C>A (p.Ser72Arg)

Gene: BRCA1 (BRCA1 DNA repair associated; minus strand). Cytogenetic location: 17q21.31.
Variant type: single nucleotide variant.
Coding change: c.216C>A on transcript NM_007294.4 (MANE Select); coding-DNA position 216, C replaced by A.
Protein change: p.Ser72Arg; replaces serine 72 with arginine.
Molecular consequence: missense variant. On other transcripts: non-coding transcript variant (1).
Genome position (GRCh38, 1-based): chr17:43,104,953, G>T on the plus strand (C>A on the coding strand, the complement: BRCA1 is on the minus strand). VCF-style: chr17-43104953-G-T. GRCh37 (hg19) VCF-style: chr17-41256970-G-T.
Other names: 335C>A; c.216C>A, p.Ser72Arg (NM_001407859.1, NM_001407860.1, NM_001407861.1 and 168 more transcripts); c.138C>A, p.Ser46Arg (NM_001407862.1, NM_001407874.1, NM_001407875.1 and 21 more transcripts); c.6C>A, p.Ser2Arg (NM_001407879.1, NM_001407881.1, NM_001407882.1 and 58 more transcripts); c.75C>A, p.Ser25Arg (NM_001407920.1, NM_001407921.1, NM_001407922.1 and 99 more transcripts); c.-166C>A (NM_001407959.1, NM_001407960.1, NM_001407962.1 and 4 more transcripts); c.84C>A, p.Ser28Arg (NM_001408451.1); short protein forms S72R, S25R, S2R, S46R, S28R.
Identifiers: ClinVar variation 54481 (VCV000054481.17), dbSNP rs80356967, ClinGen allele CA001449.